The following is an entry in ClinVar:

ClinVar aggregate classification (germline): Uncertain significance (1 of 4 stars; one submission).

Conditions:
Menkes kinky-hair syndrome (MNK). Also called: Copper transport disease; Menkes Disease; Classic Menkes Disease. Identifiers: Orphanet 565, MedGen C0022716, MONDO:0010651, OMIM 309400.
X-linked distal spinal muscular atrophy type 3. Also called: ATP7A-Related Distal Motor Neuropathy; SPINAL MUSCULAR ATROPHY, DISTAL, X-LINKED RECESSIVE; NEURONOPATHY, DISTAL HEREDITARY MOTOR, X-LINKED; NEUROPATHY, DISTAL HEREDITARY MOTOR, X-LINKED. Identifiers: Orphanet 139557, MedGen C1845359, MONDO:0010338, OMIM 300489.
Cutis laxa, X-linked (OHS). Also called: EDS IX; Occipital horn syndrome. Identifiers: Orphanet 198, MedGen C0268353, MONDO:0010572, OMIM 304150.

Allele frequency attached by ClinVar (database versions not stated): gnomAD exomes below 0.00001.
gnomAD v4.1: 2 of 1,208,957 alleles (0.00017%); highest among the groups gnomAD compares: Non-Finnish European, 0.00011%; no homozygotes.

Submission:

Labcorp Genetics (formerly Invitae), Labcorp
Classification: Uncertain significance for X-linked distal spinal muscular atrophy type 3; Cutis laxa, X-linked; Menkes kinky-hair syndrome. Last evaluated: 2022-09-21. Review status: criteria provided, single submitter. Criteria: Invitae Variant Classification Sherloc (09022015). Collection method: clinical testing. Allele origin: germline.
Comment: In summary, the available evidence is currently insufficient to determine the role of this variant in disease. Therefore, it has been classified as a Variant of Uncertain Significance. Advanced modeling of protein sequence and biophysical properties (such as structural, functional, and spatial information, amino acid conservation, physicochemical variation, residue mobility, and thermodynamic stability) performed at Invitae indicates that this missense variant is not expected to disrupt ATP7A protein function. This variant has not been reported in the literature in individuals affected with ATP7A-related conditions. This variant is not present in population databases (gnomAD no frequency). This sequence change replaces serine, which is neutral and polar, with proline, which is neutral and non-polar, at codon 21 of the ATP7A protein (p.Ser21Pro).

NM_000052.7(ATP7A):c.61T>C (p.Ser21Pro)

Gene: ATP7A (ATPase copper transporting alpha; plus strand). Cytogenetic location: Xq21.1.
Variant type: single nucleotide variant.
Coding change: c.61T>C on transcript NM_000052.7 (MANE Select); coding-DNA position 61, T replaced by C.
Protein change: p.Ser21Pro; replaces serine 21 with proline.
Molecular consequence: missense variant. On other transcripts: non-coding transcript variant (1).
Genome position (GRCh38, 1-based): chrX:77,971,702, T>C. VCF-style: chrX-77971702-T-C. GRCh37 (hg19) VCF-style: chrX-77227199-T-C.
Other names: c.61T>C, p.Ser21Pro (NM_001282224.2); short protein forms S21P.
Identifiers: ClinVar variation 2056840 (VCV002056840.4), dbSNP rs2522252303, ClinGen allele CA413597736.